The following is an entry in ClinVar:

NM_000051.4(ATM):c.3153+20T>A

Gene: ATM (ATM serine/threonine kinase; plus strand). Cytogenetic location: 11q22.3.
Variant type: single nucleotide variant.
Coding change: c.3153+20T>A on transcript NM_000051.4 (MANE Select); 20 bases into the intron after coding-DNA position 3153, T replaced by A.
Molecular consequence: intron variant.
Genome position (GRCh38, 1-based): chr11:108,272,627, T>A. VCF-style: chr11-108272627-T-A. GRCh37 (hg19) VCF-style: chr11-108143354-T-A.
Other names: c.3153+20T>A (NM_001351834.2).
Identifiers: ClinVar variation 511772 (VCV000511772.11), dbSNP rs200786429, ClinGen allele CA6265204.
Genomic context (GRCh38, chr11:108,272,627, plus strand): 5'-TAAGAATGGCCCTAGTAAATTGCCTTAAAACTTTGCTTGAGGTGAGTTTTTGCATTTTTT[T>A]AGTAAGATCTCCATTGAAAATTTTAAAGCAGTCTTTGTTTGTTAATGAGTAATTTTTCTC-3'

ClinVar aggregate classification (germline): Likely benign. Review status: criteria provided, multiple submitters, no conflicts (2 of 4 stars). 3 submissions from 3 submitters: Likely benign (3). Last evaluated 2025-08-03.

Conditions:
Hereditary cancer-predisposing syndrome. Also called: Hereditary Cancer Syndrome; Tumor predisposition; Neoplastic Syndromes, Hereditary; Hereditary neoplastic syndrome. Identifiers: Orphanet 140162, MedGen C0027672, MeSH D009386, MONDO:0015356.
Ataxia-telangiectasia syndrome (AT). Also called: Cerebello-oculocutaneous telangiectasia; Immunodeficiency with ataxia telangiectasia; AT, COMPLEMENTATION GROUP C; Ataxia-telangiectasia, complementation group D; LOUIS-BAR SYNDROME; Ataxia-telangiectasia, complementation group E. Identifiers: Orphanet 100, MedGen C0004135, MONDO:0008840, OMIM 208900.

gnomAD v4.1: 6 of 1,613,096 alleles (0.00037%); highest among the groups gnomAD compares: South Asian, 0.0022%; no homozygotes.

Submissions (3):

Labcorp Genetics (formerly Invitae), Labcorp
Classification: Likely benign for Ataxia-telangiectasia syndrome. Last evaluated: 2025-08-03. Review status: criteria provided, single submitter. Criteria: Invitae Variant Classification Sherloc (09022015). Collection method: clinical testing. Allele origin: germline.

Color Diagnostics, LLC DBA Color Health
Classification: Likely benign for Hereditary cancer-predisposing syndrome. Last evaluated: 2018-08-13. Review status: criteria provided, single submitter. Criteria: ACMG Guidelines, 2015. Collection method: clinical testing. Allele origin: germline.

GeneDx
Classification: Likely benign. Last evaluated: 2017-08-28. Review status: criteria provided, single submitter. Criteria: GeneDx Variant Classification (06012015). Collection method: clinical testing. Allele origin: germline. Affected: yes.
Comment: This variant is considered likely benign or benign based on one or more of the following criteria: it is a conservative change, it occurs at a poorly conserved position in the protein, it is predicted to be benign by multiple in silico algorithms, and/or has population frequency not consistent with disease.